The following is an entry in ClinVar:

ClinVar aggregate classification (germline): not provided (0 of 4 stars; one submission).

Submission:

GeneDx
No classification provided. Review status: no classification provided. Criteria: GeneDx Variant Classification (06012015). Collection method: clinical testing. Allele origin: germline. Affected: yes.
Comment: The P341L variant in the EXT2 gene has been reported previously as heterozygous in an individual with high myopia (Kloss et al., 2017). The P341L variant is observed in 6/10406 (0.06%) alleles from individuals of African background, in large population cohorts (Lek et al., 2016; 1000 Genomes Consortium et al., 2015; Exome Variant Server). The P341L variant is a semi-conservative amino acid substitution, which may impact secondary protein structure as these residues differ in some properties. This substitution occurs at a position that is conserved across species. In silico analysis predicts this variant is probably damaging to the protein structure/function. Additionally, a missense variant in the same residue (P341T) has been reported in an individual with multiple osteochondromas. Therefore, we interpret P341L as a variant of uncertain significance.

NM_207122.2(EXT2):c.1021C>A (p.Pro341Thr)

Gene: EXT2 (exostosin glycosyltransferase 2; plus strand). Cytogenetic location: 11p11.2.
Variant type: single nucleotide variant.
Coding change: c.1021C>A on transcript NM_207122.2 (MANE Select); coding-DNA position 1021, C replaced by A.
Protein change: p.Pro341Thr; replaces proline 341 with threonine.
Molecular consequence: missense variant.
Genome position (GRCh38, 1-based): chr11:44,126,897, C>A. VCF-style: chr11-44126897-C-A. GRCh37 (hg19) VCF-style: chr11-44148447-C-A.
Other names: c.1120C>A, p.Pro374Thr (NM_000401.3); c.1021C>A, p.Pro341Thr (NM_001178083.3, NM_001389628.1, NM_001389630.1); short protein forms P341T, P374T.
Identifiers: ClinVar variation 429216 (VCV000429216.2), dbSNP rs1131691261, ClinGen allele CA380169072.